The following is an entry in ClinVar:

ClinVar aggregate classification (germline): Benign/Likely benign. Review status: criteria provided, single submitter (1 of 4 stars). 2 submissions from 1 submitter: Benign (1); Likely benign (1). Last evaluated 2018-01-12.

Conditions:
Dilated cardiomyopathy 1U. Identifiers: Orphanet 154, MedGen C3160720, MONDO:0013371, OMIM 613694.
Alzheimer disease 3 (AD3). Also called: ALZHEIMER DISEASE, FAMILIAL, 3. Identifiers: Orphanet 1020, MedGen C1843013, MONDO:0011913, OMIM 607822.

Allele frequency attached by ClinVar (database versions not stated): 1000 Genomes Project 0.01158; 1000 Genomes Project 30x 0.01296; TOPMed 0.01314.

Submissions (2):

Illumina Laboratory Services, Illumina
Classification: Likely benign for Dilated cardiomyopathy 1U. Last evaluated: 2018-01-12. Review status: criteria provided, single submitter. Criteria: ICSL Variant Classification Criteria 13 December 2019. Collection method: clinical testing. Allele origin: germline.
Comment: This variant was observed in the ICSL laboratory as part of a predisposition screen in an ostensibly healthy population. It had not been previously curated by ICSL or reported in the Human Gene Mutation Database (HGMD: prior to June 1st, 2018), and was therefore a candidate for classification through an automated scoring system. Utilizing variant allele frequency, disease prevalence and penetrance estimates, and inheritance mode, an automated score was calculated to assess if this variant is too frequent to cause the disease. Based on the score and internal cut-off values, a variant classified as likely benign is not then subjected to further curation. The score for this variant resulted in a classification of likely benign for this disease.

Illumina Laboratory Services, Illumina
Classification: Benign for Alzheimer disease 3. Last evaluated: 2018-01-12. Review status: criteria provided, single submitter. Criteria: ICSL Variant Classification Criteria 13 December 2019. Collection method: clinical testing. Allele origin: germline.
Comment: This variant was observed in the ICSL laboratory as part of a predisposition screen in an ostensibly healthy population. It had not been previously curated by ICSL or reported in the Human Gene Mutation Database (HGMD: prior to June 1st, 2018), and was therefore a candidate for classification through an automated scoring system. Utilizing variant allele frequency, disease prevalence and penetrance estimates, and inheritance mode, an automated score was calculated to assess if this variant is too frequent to cause the disease. Based on the score and internal cut-off values, a variant classified as benign is not then subjected to further curation. The score for this variant resulted in a classification of benign for this disease.

NM_000021.4(PSEN1):c.*3538C>G

Gene: PSEN1 (presenilin 1; plus strand). Cytogenetic location: 14q24.2.
Variant type: single nucleotide variant.
Coding change: c.*3538C>G on transcript NM_000021.4 (MANE Select); 3538 bases downstream of the stop codon, C replaced by G.
Molecular consequence: 3 prime UTR variant.
Genome position (GRCh38, 1-based): chr14:73,222,827, C>G. VCF-style: chr14-73222827-C-G. GRCh37 (hg19) VCF-style: chr14-73689535-C-G.
Other names: c.*3538C>G (NM_007318.3).
Identifiers: ClinVar variation 885670 (VCV000885670.4), dbSNP rs362392, ClinGen allele CA262622339.
Genomic context (GRCh38, chr14:73,222,827, plus strand): 5'-GCTTATACATTGGTGTTATAAAAGTGACTTGATTCAGAAATCAATCCATTCAGTAAAGTA[C>G]TCCTTCTCTAAATTTGCTGTTATGTCTATAAGGAACAGTTTGACCTGCCCTTCTCCTCAC-3'